The following is an entry in ClinVar:

ClinVar aggregate classification (germline): Uncertain significance. Review status: criteria provided, multiple submitters, no conflicts (2 of 4 stars). 2 submissions from 2 submitters: Uncertain significance (2). Last evaluated 2025-06-06.

Conditions:
Inborn genetic diseases. Identifiers: MedGen C0950123, MeSH D030342.

Allele frequency attached by ClinVar (database versions not stated): 1000 Genomes Project 30x 0.00047; TOPMed 0.00023; gnomAD 0.00021; ESP Exome Variant Server 0.00023; 1000 Genomes Project 0.00040; ExAC 0.00007.
gnomAD v4.1: 61 of 1,613,694 alleles (0.0038%); highest among the groups gnomAD compares: African/African-American, 0.076%; no homozygotes.

Submissions (2):

Ambry Genetics
Classification: Uncertain significance for Inborn genetic diseases. Last evaluated: 2025-06-06. Review status: criteria provided, single submitter. Criteria: Ambry Variant Classification Scheme 2023. Collection method: clinical testing. Allele origin: germline.

Labcorp Genetics (formerly Invitae), Labcorp
Classification: Uncertain significance. Last evaluated: 2022-11-01. Review status: criteria provided, single submitter. Criteria: Invitae Variant Classification Sherloc (09022015). Collection method: clinical testing. Allele origin: germline.
Comment: This sequence change replaces histidine, which is basic and polar, with arginine, which is basic and polar, at codon 28 of the ASCC1 protein (p.His28Arg). This variant is present in population databases (rs377445075, gnomAD 0.1%). This variant has not been reported in the literature in individuals affected with ASCC1-related conditions. Algorithms developed to predict the effect of missense changes on protein structure and function output the following: SIFT: "Tolerated"; PolyPhen-2: "Benign"; Align-GVGD: "Class C0". The arginine amino acid residue is found in multiple mammalian species, which suggests that this missense change does not adversely affect protein function. In summary, the available evidence is currently insufficient to determine the role of this variant in disease. Therefore, it has been classified as a Variant of Uncertain Significance.

NM_001198800.3(ASCC1):c.83A>G (p.His28Arg)

Gene: ASCC1 (activating signal cointegrator 1 complex subunit 1; minus strand). Cytogenetic location: 10q22.1.
Variant type: single nucleotide variant.
Coding change: c.83A>G on transcript NM_001198800.3 (MANE Select); coding-DNA position 83, A replaced by G.
Protein change: p.His28Arg; replaces histidine 28 with arginine.
Molecular consequence: missense variant. On other transcripts: 5 prime UTR variant (5), non-coding transcript variant (1).
Genome position (GRCh38, 1-based): chr10:72,213,216, T>C on the plus strand (A>G on the coding strand, the complement: ASCC1 is on the minus strand). VCF-style: chr10-72213216-T-C. GRCh37 (hg19) VCF-style: chr10-73972974-T-C.
Other names: c.83A>G, p.His28Arg (NM_001198798.2, NM_001198799.3, NM_001369087.1 and 19 more transcripts); c.149A>G, p.His50Arg (NM_001369085.1, NM_001369086.1, NM_001369099.1); c.-133A>G (NM_001369101.1, NM_001369102.1, NM_001369105.1 and 2 more transcripts); c.83A>G (NM_001198800.1); short protein forms H28R, H50R.
Identifiers: ClinVar variation 2187373 (VCV002187373.4), dbSNP rs377445075, ClinGen allele CA5549167.